The following is an entry in ClinVar:

ClinVar aggregate classification (germline): Uncertain significance (1 of 4 stars; one submission).

Conditions:
Imerslund-Grasbeck syndrome. Also called: Megaloblastic anemia due to inborn errors of metabolism; ENTEROCYTE COBALAMIN MALABSORPTION; ENTEROCYTE INTRINSIC FACTOR RECEPTOR, DEFECT OF; Imerslund-Gräsbeck syndrome; PERNICIOUS ANEMIA, JUVENILE, DUE TO SELECTIVE INTESTINAL MALABSORPTION OF VITAMIN B12, WITH PROTEINURIA. Identifiers: Orphanet 35858, MedGen C4551825, MONDO:0009853.

Submission:

Labcorp Genetics (formerly Invitae), Labcorp
Classification: Uncertain significance for Imerslund-Grasbeck syndrome. Last evaluated: 2022-06-04. Review status: criteria provided, single submitter. Criteria: Invitae Variant Classification Sherloc (09022015). Collection method: clinical testing. Allele origin: germline.
Comment: This sequence change replaces isoleucine, which is neutral and non-polar, with threonine, which is neutral and polar, at codon 1521 of the CUBN protein (p.Ile1521Thr). The frequency data for this variant in the population databases is considered unreliable, as metrics indicate poor data quality at this position in the gnomAD database. This variant has not been reported in the literature in individuals affected with CUBN-related conditions. Algorithms developed to predict the effect of missense changes on protein structure and function are either unavailable or do not agree on the potential impact of this missense change (SIFT: "Not Available"; PolyPhen-2: "Probably Damaging"; Align-GVGD: "Not Available"). In summary, the available evidence is currently insufficient to determine the role of this variant in disease. Therefore, it has been classified as a Variant of Uncertain Significance.

NM_001081.4(CUBN):c.4562_4563delinsCA (p.Ile1521Thr)

Gene: CUBN (cubilin; minus strand). Cytogenetic location: 10p13.
Variant type: Indel.
Coding change: c.4562_4563delinsCA on transcript NM_001081.4 (MANE Select); coding-DNA positions 4562 to 4563, TT replaced by CA.
Protein change: p.Ile1521Thr; replaces isoleucine 1521 with threonine.
Molecular consequence: missense variant.
Genome position (GRCh38, 1-based): chr10:16,982,616-16,982,617, AA replaced by TG on the plus strand (TT replaced by CA on the coding strand, the reverse complement: CUBN is on the minus strand). VCF-style: chr10-16982616-AA-TG. GRCh37 (hg19) VCF-style: chr10-17024615-AA-TG.
Other names: short protein forms I1521T.
Identifiers: ClinVar variation 2171174 (VCV002171174.2), dbSNP rs2491706337, ClinGen allele CA2580081367.
Genomic context (GRCh38, chr10:16,982,616, plus strand): 5'-CCGAATGACCCAAGAACAGTCTGTGTTGCTCCTATAAGGACTGGGGTAATTTGGAGAATG[AA>TG]TCTCTCCACTGGGAGCCTGGAAAATCCCACCACAACCTGGAAGTGGGGAACACAATTATT-3'
Protein context (NP_001072.2, residues 1511-1531): GGIFQAPSGE[Ile1521Thr]HSPNYPSPYR